The following is an entry in ClinVar:

ClinVar aggregate classification (germline): Uncertain significance. Review status: criteria provided, multiple submitters, no conflicts (2 of 4 stars). 2 submissions from 2 submitters: Uncertain significance (2). Last evaluated 2026-08-17.

Conditions:
Hereditary cancer-predisposing syndrome. Also called: Tumor predisposition; Hereditary neoplastic syndrome; Neoplastic Syndromes, Hereditary; Hereditary Cancer Syndrome. Identifiers: Orphanet 140162, MedGen C0027672, MeSH D009386, MONDO:0015356.
Cardiovascular phenotype. Identifiers: MedGen CN230736.

Submissions (2):

Ambry Genetics
Classification: Uncertain significance for Cardiovascular phenotype; Hereditary cancer-predisposing syndrome. Last evaluated: 2026-08-17. Review status: criteria provided, single submitter. Criteria: Ambry Variant Classification Scheme 2023. Collection method: clinical testing. Allele origin: germline.
Comment: The p.D738N variant (also known as c.2212G>A), located in coding exon 18 of the LZTR1 gene, results from a G to A substitution at nucleotide position 2212. The aspartic acid at codon 738 is replaced by asparagine, an amino acid with highly similar properties. This amino acid position is conserved. In addition, this alteration is predicted to be tolerated by in silico analysis. Based on the available evidence, the clinical significance of this variant remains unclear.

Labcorp Genetics (formerly Invitae), Labcorp
Classification: Uncertain significance. Last evaluated: 2022-10-14. Review status: criteria provided, single submitter. Criteria: Invitae Variant Classification Sherloc (09022015). Collection method: clinical testing. Allele origin: germline.
Comment: In summary, the available evidence is currently insufficient to determine the role of this variant in disease. Therefore, it has been classified as a Variant of Uncertain Significance. Advanced modeling of protein sequence and biophysical properties (such as structural, functional, and spatial information, amino acid conservation, physicochemical variation, residue mobility, and thermodynamic stability) performed at Invitae indicates that this missense variant is not expected to disrupt LZTR1 protein function. This variant has not been reported in the literature in individuals affected with LZTR1-related conditions. This variant is present in population databases (no rsID available, gnomAD 0.003%). This sequence change replaces aspartic acid, which is acidic and polar, with asparagine, which is neutral and polar, at codon 738 of the LZTR1 protein (p.Asp738Asn).

NM_006767.4(LZTR1):c.2212G>A (p.Asp738Asn)

Gene: LZTR1 (leucine zipper like post translational regulator 1; plus strand). Cytogenetic location: 22q11.21.
Variant type: single nucleotide variant.
Coding change: c.2212G>A on transcript NM_006767.4 (MANE Select); coding-DNA position 2212, G replaced by A.
Protein change: p.Asp738Asn; replaces aspartic acid 738 with asparagine.
Molecular consequence: missense variant.
Genome position (GRCh38, 1-based): chr22:20,996,105, G>A. VCF-style: chr22-20996105-G-A. GRCh37 (hg19) VCF-style: chr22-21350394-G-A.
Other names: c.2212G>A (NM_006767.3); short protein forms D738N.
Identifiers: ClinVar variation 1721607 (VCV001721607.6), dbSNP rs1305625607, ClinGen allele CA410780045.
Genomic context (GRCh38, chr22:20,996,105, plus strand): 5'-CAGGCCTTCGAGTCCATGCTGCGCTACATCTACTACGGCGAGGTCAACATGCCGCCCGAG[G>A]ACTCGCTGCATCCTCACTCCCCAGTGAACTCCCAGGTCCCCACCAAGGGGTCCTGGCACC-3'
Protein context (NP_006758.2, residues 728-748): YYGEVNMPPE[Asp738Asn]SLYLFAAPYY